The following is an entry in ClinVar:

NM_001271.4(CHD2):c.4190A>G (p.Asn1397Ser)

Gene: CHD2 (chromodomain helicase DNA binding protein 2; plus strand). Cytogenetic location: 15q26.1.
Variant type: single nucleotide variant.
Coding change: c.4190A>G on transcript NM_001271.4 (MANE Select); coding-DNA position 4190, A replaced by G.
Protein change: p.Asn1397Ser; replaces asparagine 1397 with serine.
Molecular consequence: missense variant.
Genome position (GRCh38, 1-based): chr15:93,002,229, A>G. VCF-style: chr15-93002229-A-G. GRCh37 (hg19) VCF-style: chr15-93545459-A-G.
Other names: short protein forms N1397S.
Identifiers: ClinVar variation 1304160 (VCV001304160.2), dbSNP rs2141873684, ClinGen allele CA393900957.

ClinVar aggregate classification (germline): Uncertain significance (1 of 4 stars; one submission).

Submission:

GeneDx
Classification: Uncertain significance. Last evaluated: 2019-10-30. Review status: criteria provided, single submitter. Criteria: GeneDx Variant Classification Process June 2021. Collection method: clinical testing. Allele origin: germline. Affected: yes.
Comment: Not observed in large population cohorts (Lek et al., 2016); In silico analysis, which includes protein predictors and evolutionary conservation, supports that this variant does not alter protein structure/function; Has not been previously published as pathogenic or benign to our knowledge